The following is an entry in ClinVar:

ClinVar aggregate classification (germline): Uncertain significance (1 of 4 stars; one submission).

gnomAD v4.1: 7 of 1,613,586 alleles (0.00043%); highest among the groups gnomAD compares: Non-Finnish European, 0.00051%; no homozygotes.

Submission:

Labcorp Genetics (formerly Invitae), Labcorp
Classification: Uncertain significance. Last evaluated: 2021-09-29. Review status: criteria provided, single submitter. Criteria: Invitae Variant Classification Sherloc (09022015). Collection method: clinical testing. Allele origin: germline.
Comment: In summary, the available evidence is currently insufficient to determine the role of this variant in disease. Therefore, it has been classified as a Variant of Uncertain Significance. Algorithms developed to predict the effect of missense changes on protein structure and function (SIFT, PolyPhen-2, Align-GVGD) all suggest that this variant is likely to be tolerated. This variant has not been reported in the literature in individuals affected with RTN4IP1-related conditions. This variant is present in population databases (rs768014057, ExAC 0.002%). This sequence change replaces methionine with valine at codon 344 of the RTN4IP1 protein (p.Met344Val). The methionine residue is moderately conserved and there is a small physicochemical difference between methionine and valine.

NM_032730.5(RTN4IP1):c.1030A>G (p.Met344Val)

Gene: RTN4IP1 (reticulon 4 interacting protein 1; minus strand). Cytogenetic location: 6q21.
Variant type: single nucleotide variant.
Coding change: c.1030A>G on transcript NM_032730.5 (MANE Select); coding-DNA position 1030, A replaced by G.
Protein change: p.Met344Val; replaces methionine 344 with valine.
Molecular consequence: missense variant.
Genome position (GRCh38, 1-based): chr6:106,583,381, T>C on the plus strand (A>G on the coding strand, the complement: RTN4IP1 is on the minus strand). VCF-style: chr6-106583381-T-C. GRCh37 (hg19) VCF-style: chr6-107031256-T-C.
Other names: c.730A>G, p.Met244Val (NM_001318746.1); short protein forms M344V, M244V.
Identifiers: ClinVar variation 1519477 (VCV001519477.6), dbSNP rs768014057, ClinGen allele CA3944306.